The following is an entry in ClinVar:

NM_000891.3(KCNJ2):c.239G>A (p.Arg80His)

Gene: KCNJ2 (potassium inwardly rectifying channel subfamily J member 2; plus strand). Cytogenetic location: 17q24.3.
Variant type: single nucleotide variant.
Coding change: c.239G>A on transcript NM_000891.3 (MANE Select); coding-DNA position 239, G replaced by A.
Protein change: p.Arg80His; replaces arginine 80 with histidine.
Molecular consequence: missense variant.
Genome position (GRCh38, 1-based): chr17:70,175,278, G>A. VCF-style: chr17-70175278-G-A. GRCh37 (hg19) VCF-style: chr17-68171419-G-A.
Other names: c.239G>A (NM_000891.2); short protein forms R80H.
Identifiers: ClinVar variation 1056927 (VCV001056927.10), dbSNP rs2144376668, ClinGen allele CA400860168.

ClinVar aggregate classification (germline): Uncertain significance. Review status: criteria provided, multiple submitters, no conflicts (2 of 4 stars). 2 submissions from 2 submitters: Uncertain significance (2). Last evaluated 2026-03-17.

Conditions:
Andersen Tawil syndrome (LQT7). Also called: ANDERSEN CARDIODYSRHYTHMIC PERIODIC PARALYSIS; LONG QT SYNDROME 7; PERIODIC PARALYSIS, POTASSIUM-SENSITIVE CARDIODYSRHYTHMIC TYPE; Potassium-sensitive periodic paralysis, ventricular ectopy, and dysmorphic features; Andersen Syndrome. Identifiers: Orphanet 37553, MedGen C1563715, MONDO:0008222, OMIM 170390.
Short QT syndrome type 3. Identifiers: Orphanet 51083, MedGen C1865018, MONDO:0012314, OMIM 609622.

Allele frequency attached by ClinVar (database versions not stated): gnomAD exomes below 0.00001.
gnomAD v4.1: 3 of 1,614,236 alleles (0.00019%); highest among the groups gnomAD compares: East Asian, 0.0022%; no homozygotes.

Submissions (2):

GeneDx
Classification: Uncertain significance. Last evaluated: 2026-03-17. Review status: criteria provided, single submitter. Criteria: GeneDx Variant Classification Process June 2021. Collection method: clinical testing. Allele origin: germline.
Comment: Not observed at significant frequency in large population cohorts (gnomAD); In silico analysis supports that this missense variant has a deleterious effect on protein structure/function; Has not been previously published as pathogenic or benign to our knowledge

Labcorp Genetics (formerly Invitae), Labcorp
Classification: Uncertain significance for Short QT syndrome type 3; Andersen Tawil syndrome. Last evaluated: 2024-10-13. Review status: criteria provided, single submitter. Criteria: Invitae Variant Classification Sherloc (09022015). Collection method: clinical testing. Allele origin: germline.
Comment: This sequence change replaces arginine, which is basic and polar, with histidine, which is basic and polar, at codon 80 of the KCNJ2 protein (p.Arg80His). This variant is not present in population databases (gnomAD no frequency). This variant has not been reported in the literature in individuals affected with KCNJ2-related conditions. ClinVar contains an entry for this variant (Variation ID: 1056927). Invitae Evidence Modeling of protein sequence and biophysical properties (such as structural, functional, and spatial information, amino acid conservation, physicochemical variation, residue mobility, and thermodynamic stability) has been performed for this missense variant. However, the output from this modeling did not meet the statistical confidence thresholds required to predict the impact of this variant on KCNJ2 protein function. In summary, the available evidence is currently insufficient to determine the role of this variant in disease. Therefore, it has been classified as a Variant of Uncertain Significance.